The following is an entry in ClinVar:

NM_001161352.2(KCNMA1):c.378+286G>A

Gene: KCNMA1 (potassium calcium-activated channel subfamily M alpha 1; minus strand). Cytogenetic location: 10q22.3.
Variant type: single nucleotide variant.
Coding change: c.378+286G>A on transcript NM_001161352.2 (MANE Select); 286 bases into the intron after coding-DNA position 378, G replaced by A.
Molecular consequence: intron variant. On other transcripts: missense variant (2).
Genome position (GRCh38, 1-based): chr10:77,636,979, C>T on the plus strand (G>A on the coding strand, the complement: KCNMA1 is on the minus strand). VCF-style: chr10-77636979-C-T. GRCh37 (hg19) VCF-style: chr10-79396737-C-T.
Other names: c.406G>A, p.Gly136Arg (NM_001271520.2, NM_001322839.2); c.378+286G>A (NM_001271518.2, NM_001322832.2, NM_001410940.1 and 11 more transcripts); short protein forms G136R.
Identifiers: ClinVar variation 2635234 (VCV002635234.1), dbSNP rs2093816434, ClinGen allele CA377412096.
Genomic context (GRCh38, chr10:77,636,979, plus strand): 5'-CCCGCTGAGTTGGCTGTCCCCACCCCGCACCACGGCACCCGAGCCTGTGAGTCCCCGACC[C>T]CGGCCCCAGCCGCAGCCGCCAACAACCCTACAATAAACAAGAGGACAGGATTGAGCGTCC-3'

ClinVar aggregate classification (germline): Uncertain significance (1 of 4 stars; one submission).

Conditions:
KCNMA1-related disorder. Also called: KCNMA1-related condition; KCNMA1-related disorders.

gnomAD v4.1: 3 of 1,410,864 alleles (0.00021%); highest among the groups gnomAD compares: Non-Finnish European, 0.00027%; no homozygotes.

Submission:

PreventionGenetics, part of Exact Sciences
Classification: Uncertain significance for KCNMA1-related condition. Last evaluated: 2022-11-09. Review status: criteria provided, single submitter. Criteria: ACMG Guidelines, 2015. Collection method: clinical testing. Allele origin: germline.
Comment: The KCNMA1 c.406G>A variant is predicted to result in the amino acid substitution p.Gly136Arg. To our knowledge, this variant has not been reported in the literature or in a large population database, indicating this variant is rare. At this time, the clinical significance of this variant is uncertain due to the absence of conclusive functional and genetic evidence.